The following is an entry in ClinVar:

NM_003722.5(TP63):c.1350-6262T>A

Gene: TP63 (tumor protein p63; plus strand). Cytogenetic location: 3q28.
Variant type: single nucleotide variant.
Coding change: c.1350-6262T>A on transcript NM_003722.5 (MANE Select); 6262 bases into the intron before coding-DNA position 1350, T replaced by A.
Molecular consequence: intron variant. On other transcripts: missense variant (2).
Genome position (GRCh38, 1-based): chr3:189,880,132, T>A. VCF-style: chr3-189880132-T-A. GRCh37 (hg19) VCF-style: chr3-189597921-T-A.
Other names: c.1350-6262T>A (NM_001114978.2, NM_001329144.2); c.1338-6262T>A (NM_001329148.2); c.1068-6262T>A (NM_001114980.2, NM_001114981.2, NM_001329145.2); c.1056-6262T>A (NM_001329149.2); c.813-6262T>A (NM_001329146.2); c.801-6262T>A (NM_001329150.2); c.1418T>A, p.Val473Asp (NM_001114979.2); c.1136T>A, p.Val379Asp (NM_001114982.2); and 1 more; short protein forms V379D, V473D.
Identifiers: ClinVar variation 3372017 (VCV003372017.1).

ClinVar aggregate classification (germline): Uncertain significance (1 of 4 stars; one submission).

Submission:

GeneDx
Classification: Uncertain significance. Last evaluated: 2024-04-03. Review status: criteria provided, single submitter. Criteria: GeneDx Variant Classification Process June 2021. Collection method: clinical testing. Allele origin: germline. Affected: yes.
Comment: Not observed at significant frequency in large population cohorts (gnomAD); In silico analysis supports that this variant does not alter splicing; Has not been previously published as pathogenic or benign to our knowledge; Reported using an alternate transcript of the gene